The following is an entry in ClinVar:

ClinVar aggregate classification (germline): Uncertain significance (1 of 4 stars; one submission).

Conditions:
Cardiomyopathy (CMYO). Also called: Cardiomyopathies. Identifiers: Orphanet 167848, MedGen C0878544, MONDO:0004994, HP:0001638. Inheritance: Various modes of inheritance.

Submission:

Color Diagnostics, LLC DBA Color Health
Classification: Uncertain significance for Cardiomyopathy. Last evaluated: 2024-03-07. Review status: criteria provided, single submitter. Criteria: ACMG Guidelines, 2015. Collection method: clinical testing. Allele origin: germline.
Comment: This missense variant replaces lysine with glutamine at codon 2894 of the RYR2 protein. Computational prediction suggests that this variant may have deleterious impact on protein structure and function (internally defined REVEL score threshold >= 0.7, PMID: 27666373). To our knowledge, functional studies have not been reported for this variant. This variant has not been reported in individuals affected with cardiovascular disorders in the literature. This variant has not been identified in the general population by the Genome Aggregation Database (gnomAD). The available evidence is insufficient to determine the role of this variant in disease conclusively. Therefore, this variant is classified as a Variant of Uncertain Significance.

NM_001035.3(RYR2):c.8680A>C (p.Lys2894Gln)

Gene: RYR2 (ryanodine receptor 2; plus strand). Cytogenetic location: 1q43.
Variant type: single nucleotide variant.
Coding change: c.8680A>C on transcript NM_001035.3 (MANE Select); coding-DNA position 8680, A replaced by C.
Protein change: p.Lys2894Gln; replaces lysine 2894 with glutamine.
Molecular consequence: missense variant.
Genome position (GRCh38, 1-based): chr1:237,674,185, A>C. VCF-style: chr1-237674185-A-C. GRCh37 (hg19) VCF-style: chr1-237837485-A-C.
Other names: short protein forms K2894Q.
Identifiers: ClinVar variation 1331989 (VCV001331989.3), dbSNP rs2148909005, ClinGen allele CA345403099.